The following is an entry in ClinVar:

ClinVar aggregate classification (germline): Pathogenic. Review status: criteria provided, multiple submitters, no conflicts (2 of 4 stars). 2 submissions from 2 submitters: Pathogenic (2). Last evaluated 2026-04-02.

Conditions:
Inborn genetic diseases. Identifiers: MedGen C0950123, MeSH D030342.

Allele frequency attached by ClinVar (database versions not stated): gnomAD exomes 0.00001.

Submissions (2):

Ambry Genetics
Classification: Pathogenic for Inborn genetic diseases. Last evaluated: 2026-04-02. Review status: criteria provided, single submitter. Criteria: Ambry Variant Classification Scheme 2023. Collection method: clinical testing. Allele origin: germline.
Comment: The c.409dupA pathogenic mutation, located in coding exon 5 of the DDX41 gene, results from a duplication of A at nucleotide position 409, causing a translational frameshift with a predicted alternate stop codon (p.T137Nfs*3). This variant is considered to be rare based on population cohorts in the Genome Aggregation Database (gnomAD). This alteration is expected to result in loss of function by premature protein truncation or nonsense-mediated mRNA decay. As such, this alteration is interpreted as a disease-causing mutation.

Labcorp Genetics (formerly Invitae), Labcorp
Classification: Pathogenic. Last evaluated: 2023-04-21. Review status: criteria provided, single submitter. Criteria: Invitae Variant Classification Sherloc (09022015). Collection method: clinical testing. Allele origin: germline.
Comment: For these reasons, this variant has been classified as Pathogenic. This variant has not been reported in the literature in individuals affected with DDX41-related conditions. This variant is not present in population databases (gnomAD no frequency). This sequence change creates a premature translational stop signal (p.Thr137Asnfs*3) in the DDX41 gene. It is expected to result in an absent or disrupted protein product. Loss-of-function variants in DDX41 are known to be pathogenic (PMID: 26712909, 27133828).

Literature cited by the submitters: PubMed 26712909 (cited by Labcorp Genetics (formerly Invitae), Labcorp); PubMed 27133828 (cited by Labcorp Genetics (formerly Invitae), Labcorp).

NM_016222.4(DDX41):c.409dup (p.Thr137fs)

Gene: DDX41 (DEAD-box helicase 41; minus strand). Cytogenetic location: 5q35.3.
Variant type: Duplication.
Coding change: c.409dup on transcript NM_016222.4 (MANE Select); coding-DNA position 409, one base duplicated (A; older notation c.409dupA).
Protein change: p.Thr137fs; shifts the reading frame from threonine 137.
Molecular consequence: frameshift variant.
Genome position (GRCh38, 1-based): chr5:177,515,954, T duplicated on the plus strand (A on the coding strand, the reverse complement: DDX41 is on the minus strand). VCF-style (leftmost placement, unchanged base first): chr5-177515953-G-GT. GRCh37 (hg19) VCF-style: chr5-176942954-G-GT.
Other names: c.409dupA (NM_016222.2); c.31dup, p.Thr11fs (NM_001321732.2, NM_001321830.2); short protein forms T11fs, T137fs.
Identifiers: ClinVar variation 2783944 (VCV002783944.4), dbSNP rs2532088551, ClinGen allele CA2573130147.
Genomic context (GRCh38, chr5:177,515,953, plus strand): 5'-CCTAAGCAAGGGCAACTGCAGACTGTACAGACATACCTGGTTTTGATGGGGTCATCATAC[G>GT]TAATGCCCTTAGCCATCTCCTTCACTGACATCAATGCTGAAGAGAGAGACATGGCTCAGG-3'